The following is an entry in ClinVar:

ClinVar aggregate classification (germline): Uncertain significance. Review status: criteria provided, multiple submitters, no conflicts (2 of 4 stars). 2 submissions from 2 submitters: Uncertain significance (2). Last evaluated 2024-11-09.

Conditions:
Inborn genetic diseases. Identifiers: MedGen C0950123, MeSH D030342.

Allele frequency attached by ClinVar (database versions not stated): gnomAD exomes 0.00006; ExAC 0.00007; gnomAD 0.00012; ESP Exome Variant Server 0.00023.

Submissions (2):

Ambry Genetics
Classification: Uncertain significance for Inborn genetic diseases. Last evaluated: 2024-11-09. Review status: criteria provided, single submitter. Criteria: Ambry Variant Classification Scheme 2023. Collection method: clinical testing. Allele origin: germline.

Labcorp Genetics (formerly Invitae), Labcorp
Classification: Uncertain significance. Last evaluated: 2022-08-16. Review status: criteria provided, single submitter. Criteria: Invitae Variant Classification Sherloc (09022015). Collection method: clinical testing. Allele origin: germline.
Comment: This sequence change replaces valine, which is neutral and non-polar, with methionine, which is neutral and non-polar, at codon 418 of the OBSL1 protein (p.Val418Met). This variant is present in population databases (rs201545754, gnomAD 0.01%). This variant has not been reported in the literature in individuals affected with OBSL1-related conditions. ClinVar contains an entry for this variant (Variation ID: 1407403). Algorithms developed to predict the effect of missense changes on protein structure and function are either unavailable or do not agree on the potential impact of this missense change (SIFT: "Deleterious"; PolyPhen-2: "Probably Damaging"; Align-GVGD: "Class C0"). In summary, the available evidence is currently insufficient to determine the role of this variant in disease. Therefore, it has been classified as a Variant of Uncertain Significance.

NM_015311.3(OBSL1):c.1252G>A (p.Val418Met)

Gene: OBSL1 (obscurin like cytoskeletal adaptor 1; minus strand). Cytogenetic location: 2q35.
Variant type: single nucleotide variant.
Coding change: c.1252G>A on transcript NM_015311.3 (MANE Select); coding-DNA position 1252, G replaced by A.
Protein change: p.Val418Met; replaces valine 418 with methionine.
Molecular consequence: missense variant.
Genome position (GRCh38, 1-based): chr2:219,568,085, C>T on the plus strand (G>A on the coding strand, the complement: OBSL1 is on the minus strand). VCF-style: chr2-219568085-C-T. GRCh37 (hg19) VCF-style: chr2-220432807-C-T.
Other names: c.1252G>A, p.Val418Met (NM_001173408.2, NM_001173431.2); c.1252G>A (NM_015311.2); short protein forms V418M.
Identifiers: ClinVar variation 1407403 (VCV001407403.7), dbSNP rs201545754, ClinGen allele CA2131597.
Genomic context (GRCh38, chr2:219,568,085, plus strand): 5'-CCTCAGCCTCTTCCCCACGGGCCAGCTGACCTTTGACTGTGACGTTGGCCACGGTGCGCA[C>T]CCGGCCCCGCATCTCGCACAGGTAGATACCATCATCGTCTGCCTTCAGCCTGTGGATGAT-3'
Protein context (NP_056126.1, residues 408-428): GIYLCEMRGR[Val418Met]RTVANVTVKG